The following is an entry in ClinVar:

NM_145649.5(GCNT2):c.*93G>A

Gene: GCNT2 (glucosaminyl (N-acetyl) transferase 2 (I blood group); plus strand). Cytogenetic location: 6p24.2.
Variant type: single nucleotide variant.
Coding change: c.*93G>A on transcript NM_145649.5 (MANE Select); 93 bases downstream of the stop codon, G replaced by A.
Molecular consequence: 3 prime UTR variant.
Genome position (GRCh38, 1-based): chr6:10,626,700, G>A. VCF-style: chr6-10626700-G-A. GRCh37 (hg19) VCF-style: chr6-10626933-G-A.
Other names: c.*93G>A (NM_001374747.1, NM_001491.3, NM_145655.4).
Identifiers: ClinVar variation 354711 (VCV000354711.5), dbSNP rs556902601, ClinGen allele CA10622519.
Genomic context (GRCh38, chr6:10,626,700, plus strand): 5'-ACTGCAGCTGGGAAGAGGAGCCTGTTTTTGTGAGAGACTTTTGCCTTCGTAATGTTAACC[G>A]TTTCAGGACCACGTTTATAGCTTCAGGACCTGGCTACGTAATTATACTTAAAATATCCAC-3'

ClinVar aggregate classification (germline): Likely benign (1 of 4 stars; one submission).

Conditions:
Blood group, I system (Ii). Identifiers: MedGen C0020717, OMIM 110800.

Allele frequency attached by ClinVar (database versions not stated): gnomAD exomes 0.00020; 1000 Genomes Project 0.00060; 1000 Genomes Project 30x 0.00062; gnomAD 0.00103 and 0.00108; TOPMed 0.00133.
gnomAD v4.1: 306 of 879,074 alleles (0.035%); highest among the groups gnomAD compares: African/African-American, 0.36%; 1 homozygote.

Submission:

Illumina Laboratory Services, Illumina
Classification: Likely benign for Blood group, I system. Last evaluated: 2018-01-13. Review status: criteria provided, single submitter. Criteria: ICSL Variant Classification Criteria 13 December 2019. Collection method: clinical testing. Allele origin: germline.
Comment: This variant was observed in the ICSL laboratory as part of a predisposition screen in an ostensibly healthy population. It had not been previously curated by ICSL or reported in the Human Gene Mutation Database (HGMD: prior to June 1st, 2018), and was therefore a candidate for classification through an automated scoring system. Utilizing variant allele frequency, disease prevalence and penetrance estimates, and inheritance mode, an automated score was calculated to assess if this variant is too frequent to cause the disease. Based on the score and internal cut-off values, a variant classified as likely benign is not then subjected to further curation. The score for this variant resulted in a classification of likely benign for this disease.